The following is an entry in ClinVar:

NM_006306.4(SMC1A):c.654G>A (p.Arg218=)

Gene: SMC1A (structural maintenance of chromosomes 1A; minus strand). Cytogenetic location: Xp11.22.
Variant type: single nucleotide variant.
Coding change: c.654G>A on transcript NM_006306.4 (MANE Select); coding-DNA position 654, G replaced by A.
Protein change: p.Arg218=; no amino-acid change (arginine 218 retained).
Molecular consequence: synonymous variant.
Genome position (GRCh38, 1-based): chrX:53,413,100, C>T on the plus strand (G>A on the coding strand, the complement: SMC1A is on the minus strand). VCF-style: chrX-53413100-C-T. GRCh37 (hg19) VCF-style: chrX-53440050-C-T.
Other names: c.588G>A, p.Arg196= (NM_001281463.1).
Identifiers: ClinVar variation 1695304 (VCV001695304.31), dbSNP rs2146605426, ClinGen allele CA516688830.

ClinVar aggregate classification (germline): Likely benign (1 of 4 stars; one submission).

Submission:

CeGaT Center for Human Genetics Tuebingen
Classification: Likely benign. Last evaluated: 2022-06-01. Review status: criteria provided, single submitter. Criteria: CeGaT Center For Human Genetics Tuebingen Variant Classification Criteria Version 2. Collection method: clinical testing. Allele origin: germline. Affected: yes. Observed: 1 variant allele.
Comment: SMC1A: PM2:Supporting, BP4, BP7